The following is an entry in ClinVar:

ClinVar aggregate classification (germline): Uncertain significance (1 of 4 stars; one submission).

Conditions:
Hereditary sensory neuropathy-deafness-dementia syndrome. Also called: HSN IE; Hereditary sensory neuropathy type IE; NEUROPATHY, HEREDITARY SENSORY, WITH HEARING LOSS AND DEMENTIA; Hereditary Sensory and Autonomic Neuropathy Type 1E (HSAN1E). Identifiers: Orphanet 456318, MedGen C3279885, MONDO:0013584, OMIM 614116.

Submission:

Labcorp Genetics (formerly Invitae), Labcorp
Classification: Uncertain significance for Hereditary sensory neuropathy-deafness-dementia syndrome. Last evaluated: 2022-07-25. Review status: criteria provided, single submitter. Criteria: Invitae Variant Classification Sherloc (09022015). Collection method: clinical testing. Allele origin: germline.
Comment: In summary, the available evidence is currently insufficient to determine the role of this variant in disease. Therefore, it has been classified as a Variant of Uncertain Significance. Experimental studies and prediction algorithms are not available or were not evaluated, and the functional significance of this variant is currently unknown. This variant has not been reported in the literature in individuals affected with DNMT1-related conditions. This variant results in a copy number gain of the genomic region encompassing exon(s) 33-41 of the DNMT1 gene. This region includes the termination codon of the gene. This copy number gain extends beyond the assayed region for this gene and therefore may encompass additional genes. As the precise location of this event is unknown, it may be in tandem or it may be located elsewhere in the genome.

NC_000019.9:g.(?_10244343)_(10251024_?)dup

Gene: DNMT1 (DNA methyltransferase 1; minus strand). Cytogenetic location: 19p13.2.
Variant type: Duplication.
Identifiers: ClinVar variation 2423792 (VCV002423792.4).